The following is an entry in ClinVar:

NM_005005.3(NDUFB9):c.-26C>T

Gene: NDUFB9 (NADH:ubiquinone oxidoreductase subunit B9; plus strand). Cytogenetic location: 8q24.13.
Variant type: single nucleotide variant.
Coding change: c.-26C>T on transcript NM_005005.3 (MANE Select); 26 bases upstream of the start codon, C replaced by T.
Molecular consequence: 5 prime UTR variant.
Genome position (GRCh38, 1-based): chr8:124,539,161, C>T. VCF-style: chr8-124539161-C-T. GRCh37 (hg19) VCF-style: chr8-125551402-C-T.
Other names: c.-159C>T (NM_001278645.2); c.-153C>T (NM_001278646.2); c.-26C>T (NM_001311168.2).
Identifiers: ClinVar variation 508376 (VCV000508376.1), dbSNP rs754423576, ClinGen allele CA4871411.
Genomic context (GRCh38, chr8:124,539,161, plus strand): 5'-GCCCTTCCGGCTGGCCCCGCTCAGTCACCCGCAGCAGGCGTGCAGTTTCCCGGCTCTCCG[C>T]GCGGCCGGGGAAGGTCAGCGCCGTAATGGCGTTCTTGGCGTCGGGACCCTACCTGACCCA-3'

ClinVar aggregate classification (germline): Likely benign (1 of 4 stars; one submission).

Allele frequency attached by ClinVar (database versions not stated): gnomAD 0.00001; ExAC 0.00002; TOPMed 0.00001.
gnomAD v4.1: 22 of 1,613,304 alleles (0.0014%); highest among the groups gnomAD compares: East Asian, 0.0022%; no homozygotes.

Submission:

GeneDx
Classification: Likely benign. Last evaluated: 2017-03-31. Review status: criteria provided, single submitter. Criteria: GeneDx Variant Classification (06012015). Collection method: clinical testing. Allele origin: germline. Affected: yes.
Comment: This variant is considered likely benign or benign based on one or more of the following criteria: it is a conservative change, it occurs at a poorly conserved position in the protein, it is predicted to be benign by multiple in silico algorithms, and/or has population frequency not consistent with disease.